The following continues an entry in ClinVar:

NM_006494.4(ERF):c.1201_1202del (p.Lys401fs)

Gene: ERF. ClinVar aggregate classification (germline): Pathogenic/Likely pathogenic. Pathogenic (14); Likely pathogenic (2).

Submissions 12 to 19 of 19:

GeneDx
Classification: Pathogenic. Last evaluated: 2022-02-10. Review status: criteria provided, single submitter. Criteria: GeneDx Variant Classification Process June 2021. Collection method: clinical testing. Allele origin: germline. Affected: yes.
Comment: Reported previously in the heterozygous state in multiple individuals with ERF-related clinical features referred for genetic testing at GeneDx and in the published literature (Twigg et al., 2013; Glass et al., 2019); Frameshift variant in the C-terminus predicted to result in protein truncation, as the last 148 amino acids are lost and replaced with 9 incorrect amino acids; Not observed at a significant frequency in large population cohorts (gnomAD); This variant is associated with the following publications: (PMID: 30758909, 23354439, 32370745)

CeGaT Center for Human Genetics Tuebingen
Classification: Pathogenic. Last evaluated: 2021-12-01. Review status: criteria provided, single submitter. Criteria: CeGaT Center For Human Genetics Tuebingen Variant Classification Criteria Version 2. Collection method: clinical testing. Allele origin: germline. Affected: yes. Observed: 1 variant allele.

Laboratory of Molecular Genetics (Pr. Bezieau's lab), CHU de Nantes
Classification: Likely pathogenic for Neurodevelopmental disorder. Last evaluated: 2020-12-22. Review status: criteria provided, single submitter. Criteria: ACMG Guidelines, 2015. Collection method: clinical testing. Allele origin: germline. Affected: yes.

Institute of Medical Genetics and Applied Genomics, University Hospital Tübingen
Classification: Pathogenic. Last evaluated: 2020-10-23. Review status: criteria provided, single submitter. Criteria: ACMG Guidelines, 2015. Collection method: clinical testing. Allele origin: germline. Inheritance: Unknown mechanism. Affected: yes.

Department of Medical Genetics, Oslo University Hospital
Classification: Pathogenic for Craniosynostosis 4. Last evaluated: 2017-06-21. Review status: criteria provided, single submitter. Criteria: ACMG Guidelines, 2015. Collection method: clinical testing. Allele origin: de novo. Affected: yes. Observed: 1 variant allele, 1 heterozygote.

PreventionGenetics, part of Exact Sciences
Classification: Pathogenic for ERF-related condition. Last evaluated: 2024-08-26. Review status: no assertion criteria provided. Collection method: clinical testing. Allele origin: germline. Not counted in ClinVar's aggregate classification.
Comment: The ERF c.1201_1202delAA variant is predicted to result in a frameshift and premature protein termination (p.Lys401Glufs*10). This variant has been reported in individuals with syndromic craniosynostosis and in an individual with sagittal synostosis (Twigg et al. 2013. PubMed ID: 23354439; Glass et al. 2019. PubMed ID: 30758909; Körberg et al. 2020. PubMed ID: 32370745). This variant has also been reported in individuals with neurodevelopmental disorders and Noonan syndrome-like features (Table S1, Kaplanis et al. 2020. PubMed ID: 33057194; Dentici et al. 2024. PubMed ID: 38824261; Orsini et al. 2024. PubMed ID: 38674371). This variant has been reported de novo (Kaplanis et al. 2020. PubMed ID: 33057194; Dentici et al. 2024. PubMed ID: 38824261). This variant is reported in 0.00095% of alleles in individuals of European (Non-Finnish) descent in gnomAD and is reported as pathogenic/likely pathogenic in ClinVar. Frameshift variants in ERF are expected to be pathogenic. This variant is interpreted as pathogenic.

Clinical Genetics DNA and cytogenetics Diagnostics Lab, Erasmus MC, Erasmus Medical Center
Classification: Pathogenic. Review status: no assertion criteria provided. Collection method: clinical testing. Allele origin: germline. Affected: yes. Study: VKGL Data-share Consensus. Not counted in ClinVar's aggregate classification.

Joint Genome Diagnostic Labs from Nijmegen and Maastricht, Radboudumc and MUMC+
Classification: Likely pathogenic. Review status: no assertion criteria provided. Collection method: clinical testing. Allele origin: germline. Affected: yes. Study: VKGL Data-share Consensus. Not counted in ClinVar's aggregate classification.

Literature cited by the submitters: PubMed 23354439 (cited by 4 submitters); PubMed 30758909 (cited by 4 submitters); PubMed 32370745 (cited by 3 submitters); PubMed 35852485 (cited by Victorian Clinical Genetics Services, Murdoch Childrens Research Institute); PubMed 38824261 (cited by Victorian Clinical Genetics Services, Murdoch Childrens Research Institute); PubMed 28808027 (cited by Victorian Clinical Genetics Services, Murdoch Childrens Research Institute); PubMed 27738187 (cited by Victorian Clinical Genetics Services, Murdoch Childrens Research Institute and Department of Endocrinology and Genetics, Fuzhou Children’s Hospital of Fujian Medical University).